The following is an entry in ClinVar:

NM_000373.4(UMPS):c.1320C>T (p.Gly440=)

Gene: UMPS (uridine monophosphate synthetase; plus strand). Cytogenetic location: 3q21.2.
Variant type: single nucleotide variant.
Coding change: c.1320C>T on transcript NM_000373.4 (MANE Select); coding-DNA position 1320, C replaced by T.
Protein change: p.Gly440=; no amino-acid change (glycine 440 retained).
Molecular consequence: synonymous variant. On other transcripts: non-coding transcript variant (2).
Genome position (GRCh38, 1-based): chr3:124,743,961, C>T. VCF-style: chr3-124743961-C-T. GRCh37 (hg19) VCF-style: chr3-124462808-C-T.
Other names: p.Gly440=.
Identifiers: ClinVar variation 255958 (VCV000255958.18), dbSNP rs13146, ClinGen allele CA2581875.

ClinVar aggregate classification (germline): Benign. Review status: criteria provided, multiple submitters, no conflicts (2 of 4 stars). 6 submissions from 6 submitters: Benign (6). Last evaluated 2026-01-27.

Conditions:
Hereditary orotic aciduria, type 1. Also called: Orotic aciduria type 1; Oroticaciduria 1. Identifiers: MedGen C0268130.
Oroticaciduria. Also called: Orotic aciduria. Identifiers: Orphanet 30, MedGen C0268128, HP:0003218.

Allele frequency attached by ClinVar (database versions not stated): 1000 Genomes Project 30x 0.18754; gnomAD 0.17804 and 0.17670; ESP Exome Variant Server 0.16546; gnomAD exomes 0.18148 and 0.19441; 1000 Genomes Project 0.18610; ExAC 0.18874; TOPMed 0.17988.
gnomAD v4.1: 291,822 of 1,613,944 alleles (18%); highest among the groups gnomAD compares: Admixed American, 30%; 27,426 homozygotes.

Submissions (6):

Labcorp Genetics (formerly Invitae), Labcorp
Classification: Benign for Hereditary orotic aciduria, type 1. Last evaluated: 2026-01-27. Review status: criteria provided, single submitter. Criteria: Invitae Variant Classification Sherloc (09022015). Collection method: clinical testing. Allele origin: germline.

Genome-Nilou Lab
Classification: Benign for Hereditary orotic aciduria. Last evaluated: 2021-12-05. Review status: criteria provided, single submitter. Criteria: ACMG Guidelines, 2015. Collection method: clinical testing. Allele origin: germline. Affected: no.

Mayo Clinic Laboratories, Mayo Clinic
Classification: Benign. Last evaluated: 2021-04-01. Review status: criteria provided, single submitter. Criteria: ACMG Guidelines, 2015. Collection method: clinical testing. Allele origin: germline. Observed: 23 variant alleles.

Illumina Laboratory Services, Illumina
Classification: Benign for Hereditary orotic aciduria. Last evaluated: 2018-01-13. Review status: criteria provided, single submitter. Criteria: ICSL Variant Classification Criteria 13 December 2019. Collection method: clinical testing. Allele origin: germline.
Comment: This variant was observed in the ICSL laboratory as part of a predisposition screen in an ostensibly healthy population. It had not been previously curated by ICSL or reported in the Human Gene Mutation Database (HGMD: prior to June 1st, 2018), and was therefore a candidate for classification through an automated scoring system. Utilizing variant allele frequency, disease prevalence and penetrance estimates, and inheritance mode, an automated score was calculated to assess if this variant is too frequent to cause the disease. Based on the score and internal cut-off values, a variant classified as benign is not then subjected to further curation. The score for this variant resulted in a classification of benign for this disease.

Breakthrough Genomics
Classification: Benign. Review status: criteria provided, single submitter. Criteria: ACMG Guidelines, 2015. Collection method: not provided. Allele origin: germline. Inheritance: Autosomal recessive inheritance. Affected: yes.

PreventionGenetics, part of Exact Sciences
Classification: Benign. Review status: criteria provided, single submitter. Criteria: ACMG Guidelines, 2015. Collection method: clinical testing. Allele origin: germline.